The following is an entry in ClinVar:

ClinVar aggregate classification (germline): Pathogenic (1 of 4 stars; one submission).

Conditions:
Breast-ovarian cancer, familial, susceptibility to, 2 (BROVCA2). Also called: BRCA2 Hereditary Breast and Ovarian Cancer. Identifiers: Orphanet 145, MedGen C2675520, MONDO:0012933, OMIM 612555. Disease mechanism: loss of function.

Submission:

Myriad Genetics, Inc.
Classification: Pathogenic for Breast-ovarian cancer, familial, susceptibility to, 2. Last evaluated: 2025-08-20. Review status: criteria provided, single submitter. Criteria: Myriad Autosomal Dominant, Autosomal Recessive and X-Linked Classification Criteria (2023). Collection method: clinical testing. Allele origin: unknown.
Comment: This variant is considered pathogenic. This variant creates a frameshift predicted to result in premature protein truncation.

NM_000059.4(BRCA2):c.5909_5913del (p.Ser1970fs)

Gene: BRCA2 (BRCA2 DNA repair associated; plus strand). Cytogenetic location: 13q13.1.
Variant type: Deletion.
Coding change: c.5909_5913del on transcript NM_000059.4 (MANE Select); coding-DNA positions 5909 to 5913, 5 bases deleted (CATCT; older notation c.5909_5913delCATCT).
Protein change: p.Ser1970fs; shifts the reading frame from serine 1970.
Molecular consequence: frameshift variant. On other transcripts: non-coding transcript variant (1), intron variant (2).
Genome position (GRCh38, 1-based): chr13:32,340,264-32,340,268, CATCT deleted; deleting any 5 consecutive bases within chr13:32,340,261-32,340,268 gives the same sequence; the c. name uses the placement nearest the transcript's 3' end. VCF-style (leftmost placement, unchanged base first): chr13-32340260-GTCTCA-G. GRCh37 (hg19) VCF-style: chr13-32914397-GTCTCA-G.
Other names: c.5909_5913del, p.Ser1970fs (NM_001406719.1, NM_001406720.1, NM_001432077.1); c.1910-4294_1910-4290del (NM_001406721.1); c.425-4294_425-4290del (NM_001406722.1); short protein forms S1970fs.
Identifiers: ClinVar variation 4294257 (VCV004294257.1).